The following is an entry in ClinVar:

ClinVar aggregate classification (germline): Conflicting classifications of pathogenicity. Review status: criteria provided, conflicting classifications (1 of 4 stars). 3 submissions from 2 submitters: Uncertain significance (1); Likely benign (2). Last evaluated 2022-02-18.

Conditions:
Weill-Marchesani syndrome. Also called: WM Syndrome; Mesodermal dysmorphodystrophy congenital. Identifiers: Orphanet 3449, MedGen C0265313, MONDO:0018096.
Glaucoma 3, primary congenital, D. Identifiers: Orphanet 98976, MedGen C2751316, MONDO:0013122, OMIM 613086.

Allele frequency attached by ClinVar (database versions not stated): gnomAD exomes 0.00046; 1000 Genomes Project 0.00419; 1000 Genomes Project 30x 0.00422; gnomAD 0.00490 and 0.00526; TOPMed 0.00575.
gnomAD v4.1: 1,328 of 1,363,310 alleles (0.097%); highest among the groups gnomAD compares: African/African-American, 1.7%; 13 homozygotes.

Submissions (3):

GeneDx
Classification: Likely benign. Last evaluated: 2022-02-18. Review status: criteria provided, single submitter. Criteria: GeneDx Variant Classification Process June 2021. Collection method: clinical testing. Allele origin: germline. Affected: yes.
Comment: See Variant Classification Assertion Criteria.

Illumina Laboratory Services, Illumina
Classification: Likely benign for Weill-Marchesani syndrome. Last evaluated: 2018-01-12. Review status: criteria provided, single submitter. Criteria: ICSL Variant Classification Criteria 13 December 2019. Collection method: clinical testing. Allele origin: germline.
Comment: This variant was observed in the ICSL laboratory as part of a predisposition screen in an ostensibly healthy population. It had not been previously curated by ICSL or reported in the Human Gene Mutation Database (HGMD: prior to June 1st, 2018), and was therefore a candidate for classification through an automated scoring system. Utilizing variant allele frequency, disease prevalence and penetrance estimates, and inheritance mode, an automated score was calculated to assess if this variant is too frequent to cause the disease. Based on the score and internal cut-off values, a variant classified as likely benign is not then subjected to further curation. The score for this variant resulted in a classification of likely benign for this disease.

Illumina Laboratory Services, Illumina
Classification: Uncertain significance for Glaucoma 3, primary congenital, D. Last evaluated: 2018-01-12. Review status: criteria provided, single submitter. Criteria: ICSL Variant Classification Criteria 13 December 2019. Collection method: clinical testing. Allele origin: germline.

NM_000428.3(LTBP2):c.*119C>T

Gene: LTBP2 (latent transforming growth factor beta binding protein 2; minus strand). Cytogenetic location: 14q24.3.
Variant type: single nucleotide variant.
Coding change: c.*119C>T on transcript NM_000428.3 (MANE Select); 119 bases downstream of the stop codon, C replaced by T.
Molecular consequence: 3 prime UTR variant.
Genome position (GRCh38, 1-based): chr14:74,500,765, G>A on the plus strand (C>T on the coding strand, the complement: LTBP2 is on the minus strand). VCF-style: chr14-74500765-G-A. GRCh37 (hg19) VCF-style: chr14-74967468-G-A.
Identifiers: ClinVar variation 884477 (VCV000884477.5), dbSNP rs146119949, ClinGen allele CA14042854.